The following is an entry in ClinVar:

NM_145691.4(ATPAF2):c.799G>A (p.Ala267Thr)

Gene: ATPAF2 (ATP synthase mitochondrial F1 complex assembly factor 2; minus strand). Cytogenetic location: 17p11.2.
Variant type: single nucleotide variant.
Coding change: c.799G>A on transcript NM_145691.4 (MANE Select); coding-DNA position 799, G replaced by A.
Protein change: p.Ala267Thr; replaces alanine 267 with threonine.
Molecular consequence: missense variant.
Genome position (GRCh38, 1-based): chr17:18,018,620, C>T on the plus strand (G>A on the coding strand, the complement: ATPAF2 is on the minus strand). VCF-style: chr17-18018620-C-T. GRCh37 (hg19) VCF-style: chr17-17921934-C-T.
Other names: c.799G>A (NM_145691.3); short protein forms A267T.
Identifiers: ClinVar variation 2417980 (VCV002417980.9), dbSNP rs766218490, ClinGen allele CA8421742.
Genomic context (GRCh38, chr17:18,018,620, plus strand): 5'-GGAGCTTGTGCTTGACTGTGGTGCTCTCGGAGCAGAGATGGATGAAGAGGGTGCCGGCGG[C>T]GGTGCGGGCCCGCAGCTCCTGCAGCTCATAGTCATGGGCCCACTCAATGTTGCCCCACTT-3'
Protein context (NP_663729.1, residues 257-277): YELQELRART[Ala267Thr]AGTLFIHLCS

ClinVar aggregate classification (germline): Uncertain significance. Review status: criteria provided, multiple submitters, no conflicts (2 of 4 stars). 2 submissions from 2 submitters: Uncertain significance (2). Last evaluated 2024-05-07.

Allele frequency attached by ClinVar (database versions not stated): TOPMed below 0.00001; ExAC 0.00003; gnomAD exomes 0.00003.

Submissions (2):

Labcorp Genetics (formerly Invitae), Labcorp
Classification: Uncertain significance. Last evaluated: 2024-05-07. Review status: criteria provided, single submitter. Criteria: Invitae Variant Classification Sherloc (09022015). Collection method: clinical testing. Allele origin: germline.
Comment: This sequence change replaces alanine, which is neutral and non-polar, with threonine, which is neutral and polar, at codon 267 of the ATPAF2 protein (p.Ala267Thr). This variant is present in population databases (rs766218490, gnomAD 0.02%). This variant has not been reported in the literature in individuals affected with ATPAF2-related conditions. ClinVar contains an entry for this variant (Variation ID: 2417980). Advanced modeling of protein sequence and biophysical properties (such as structural, functional, and spatial information, amino acid conservation, physicochemical variation, residue mobility, and thermodynamic stability) has been performed at Invitae for this missense variant, however the output from this modeling did not meet the statistical confidence thresholds required to predict the impact of this variant on ATPAF2 protein function. In summary, the available evidence is currently insufficient to determine the role of this variant in disease. Therefore, it has been classified as a Variant of Uncertain Significance.

Ambry Genetics
Classification: Uncertain significance. Last evaluated: 2023-04-19. Review status: criteria provided, single submitter. Criteria: Ambry Variant Classification Scheme 2023. Collection method: clinical testing. Allele origin: germline.